The following is an entry in ClinVar:

NM_017849.4(TMEM127):c.409+1del

Gene: TMEM127 (transmembrane protein 127; minus strand). Cytogenetic location: 2q11.2.
Variant type: Deletion.
Coding change: c.409+1del on transcript NM_017849.4 (MANE Select); the canonical splice donor site of the intron after coding-DNA position 409, one base deleted (G; older notation c.409+1delG).
Molecular consequence: splice donor variant.
Genome position (GRCh38, 1-based): chr2:96,254,832, C deleted on the plus strand (G on the coding strand, the reverse complement: TMEM127 is on the minus strand); the first of 3 consecutive C bases (chr2:96,254,832-96,254,834); deleting any one gives the same sequence. VCF-style (leftmost placement, unchanged base first): chr2-96254831-AC-A. GRCh37 (hg19) VCF-style: chr2-96920569-AC-A.
Other names: c.157+1del (NM_001407283.1, NM_001407282.1); c.409+1del (NM_001193304.3).
Identifiers: ClinVar variation 3178535 (VCV003178535.1), dbSNP rs2467266005, ClinGen allele CA2825001169.

ClinVar aggregate classification (germline): Likely pathogenic (1 of 4 stars; one submission).

Conditions:
Hereditary cancer-predisposing syndrome. Also called: Neoplastic Syndromes, Hereditary; Tumor predisposition; Hereditary neoplastic syndrome; Hereditary Cancer Syndrome. Identifiers: Orphanet 140162, MedGen C0027672, MeSH D009386, MONDO:0015356.

Submission:

Ambry Genetics
Classification: Likely pathogenic for Hereditary cancer-predisposing syndrome. Last evaluated: 2024-01-09. Review status: criteria provided, single submitter. Criteria: Ambry Variant Classification Scheme 2023. Collection method: clinical testing. Allele origin: germline.
Comment: Thec.409+1delG intronic variant results from a deletion of a G one nucleotide after exon 3 (coding exon 2) of the TMEM127 gene. This alteration occurs at the 3' terminus of the TMEM127 gene, is not expected to trigger nonsense-mediated mRNA decay, and impacts the last 42% of the protein. The exact functional effect of this alteration is unknown; however, a significant portion of the protein is affected (Ambry internal data). This variant was not reported in population-based cohorts in the Genome Aggregation Database (gnomAD). This nucleotide position is highly conserved in available vertebrate species. RNA studies have demonstrated that this alteration results in abnormal splicing in the set of samples tested (Ambry internal data). In silico splice site analysis predicts that this alteration will weaken the native splice donor site and will result in the creation or strengthening of a novel splice donor site. Based on the available evidence, this alteration is classified as likely pathogenic.